The following is an entry in ClinVar:

ClinVar aggregate classification (germline): Likely benign. Review status: criteria provided, multiple submitters, no conflicts (2 of 4 stars). 4 submissions from 4 submitters: Likely benign (3). 1 of the submissions does not count toward it. Last evaluated 2026-01-18.

Conditions:
FAT4-related disorder. Also called: FAT4-related condition.

Allele frequency attached by ClinVar (database versions not stated): gnomAD exomes 0.00013 and 0.00027; 1000 Genomes Project 30x 0.00016; 1000 Genomes Project 0.00020; ExAC 0.00028; gnomAD 0.00108 and 0.00121; TOPMed 0.00131; ESP Exome Variant Server 0.00160.
gnomAD v4.1: 381 of 1,614,176 alleles (0.024%); highest among the groups gnomAD compares: African/African-American, 0.41%; 6 homozygotes.

Submissions (4):

Labcorp Genetics (formerly Invitae), Labcorp
Classification: Likely benign. Last evaluated: 2026-01-18. Review status: criteria provided, single submitter. Criteria: Invitae Variant Classification Sherloc (09022015). Collection method: clinical testing. Allele origin: germline.

GeneDx
Classification: Likely benign. Last evaluated: 2021-03-19. Review status: criteria provided, single submitter. Criteria: GeneDx Variant Classification Process June 2021. Collection method: clinical testing. Allele origin: germline. Affected: yes.
Comment: This variant is associated with the following publications: (PMID: 31303270)

Breakthrough Genomics
Classification: Likely benign. Review status: criteria provided, single submitter. Criteria: ACMG Guidelines, 2015. Collection method: not provided. Allele origin: germline. Inheritance: Autosomal recessive inheritance. Affected: yes.

PreventionGenetics, part of Exact Sciences
Classification: Likely benign for FAT4-related condition. Last evaluated: 2022-02-03. Review status: no assertion criteria provided. Collection method: clinical testing. Allele origin: germline. Not counted in ClinVar's aggregate classification.
Comment: This variant is classified as likely benign based on ACMG/AMP sequence variant interpretation guidelines (Richards et al. 2015 PMID: 25741868, with internal and published modifications).

NM_001291303.3(FAT4):c.1855C>T (p.Arg619Cys)

Gene: FAT4 (FAT atypical cadherin 4; plus strand). Cytogenetic location: 4q28.1.
Variant type: single nucleotide variant.
Coding change: c.1855C>T on transcript NM_001291303.3 (MANE Select); coding-DNA position 1855, C replaced by T.
Protein change: p.Arg619Cys; replaces arginine 619 with cysteine.
Molecular consequence: missense variant.
Genome position (GRCh38, 1-based): chr4:125,318,266, C>T. VCF-style: chr4-125318266-C-T. GRCh37 (hg19) VCF-style: chr4-126239421-C-T.
Other names: c.1855C>T, p.Arg619Cys (NM_001291285.3, NM_024582.6); c.1855C>T (NM_001291303.1); short protein forms R619C.
Identifiers: ClinVar variation 708713 (VCV000708713.15), dbSNP rs202125547, ClinGen allele CA3072069.